The following is an entry in ClinVar:

NM_001005388.3(NFASC):c.3689C>T (p.Thr1230Met)

Gene: NFASC (neurofascin; plus strand). Cytogenetic location: 1q32.1.
Variant type: single nucleotide variant.
Coding change: c.3689C>T on transcript NM_001005388.3 (MANE Select); coding-DNA position 3689, C replaced by T.
Protein change: p.Thr1230Met; replaces threonine 1230 with methionine.
Molecular consequence: missense variant.
Genome position (GRCh38, 1-based): chr1:205,016,505, C>T. VCF-style: chr1-205016505-C-T. GRCh37 (hg19) VCF-style: chr1-204985633-C-T.
Other names: c.3536C>T, p.Thr1179Met (NM_001160331.2); c.3491C>T, p.Thr1164Met (NM_001160332.2); c.3155C>T, p.Thr1052Met (NM_001365986.1); c.4010C>T, p.Thr1337Met (NM_001378329.1); c.3476C>T, p.Thr1159Met (NM_015090.4); short protein forms T1052M, T1159M, T1164M, T1179M, T1230M, T1337M.
Identifiers: ClinVar variation 4685010 (VCV004685010.1).

ClinVar aggregate classification (germline): Uncertain significance (1 of 4 stars; one submission).

gnomAD v4.1: 24 of 1,613,896 alleles (0.0015%); highest among the groups gnomAD compares: Admixed American, 0.0067%; no homozygotes.

Submission:

GeneDx
Classification: Uncertain significance. Last evaluated: 2025-07-10. Review status: criteria provided, single submitter. Criteria: GeneDx Variant Classification Process June 2021. Collection method: clinical testing. Allele origin: germline. Affected: yes.
Comment: In silico analysis supports that this missense variant has a deleterious effect on protein structure/function; Has not been previously published as pathogenic or benign to our knowledge